The following is an entry in ClinVar:

NM_001267550.2(TTN):c.13864A>G (p.Ile4622Val)

Gene: TTN (titin; minus strand). Cytogenetic location: 2q31.2.
Variant type: single nucleotide variant.
Coding change: c.13864A>G on transcript NM_001267550.2 (MANE Select); coding-DNA position 13864, A replaced by G.
Protein change: p.Ile4622Val; replaces isoleucine 4622 with valine.
Molecular consequence: missense variant. On other transcripts: intron variant (1).
Genome position (GRCh38, 1-based): chr2:178,739,369, T>C on the plus strand (A>G on the coding strand, the complement: TTN is on the minus strand). VCF-style: chr2-178739369-T-C. GRCh37 (hg19) VCF-style: chr2-179604096-T-C.
Other names: c.12913A>G, p.Ile4305Val (NM_001256850.1); c.12775A>G, p.Ile4259Val (NM_003319.4); c.13351A>G, p.Ile4451Val (NM_133437.4); c.10361-1009A>G (NM_133378.4); c.13150A>G, p.Ile4384Val (NM_133432.3); short protein forms I4622V, I4384V, I4259V, I4305V, I4451V.
Identifiers: ClinVar variation 47842 (VCV000047842.5), dbSNP rs397517831, ClinGen allele CA142022.

ClinVar aggregate classification (germline): Uncertain significance (1 of 4 stars; one submission).

Submission:

Laboratory for Molecular Medicine, Mass General Brigham Personalized Medicine
Classification: Uncertain significance. Last evaluated: 2012-02-07. Review status: criteria provided, single submitter. Criteria: LMM Criteria. Collection method: clinical testing. Allele origin: germline. Observed: 1 variant allele.
Comment: The Ile4384Val variant (TTN) has not been reported in the literature nor previou sly identified by our laboratory. Computational analyses, including conservation , are limited or unavailable for this variant. Additional information is needed to assess the clinical significance of the Ile4384Val variant.